The following is an entry in ClinVar:

NM_006361.6(HOXB13):c.328C>T (p.Pro110Ser)

Gene: HOXB13 (homeobox B13; minus strand). Cytogenetic location: 17q21.32.
Variant type: single nucleotide variant.
Coding change: c.328C>T on transcript NM_006361.6 (MANE Select); coding-DNA position 328, C replaced by T.
Protein change: p.Pro110Ser; replaces proline 110 with serine.
Molecular consequence: missense variant.
Genome position (GRCh38, 1-based): chr17:48,728,266, G>A on the plus strand (C>T on the coding strand, the complement: HOXB13 is on the minus strand). VCF-style: chr17-48728266-G-A. GRCh37 (hg19) VCF-style: chr17-46805628-G-A.
Other names: c.328C>T (NM_006361.5); short protein forms P110S.
Identifiers: ClinVar variation 1374019 (VCV001374019.9), dbSNP rs370361482, ClinGen allele CA400107685.
Genomic context (GRCh38, chr17:48,728,266, plus strand): 5'-AGAAGGCAAACTCAGTGGGGCGGCTGGGGTACTCTTCCCCGGCCGTGGGAGTCTCCGCGG[G>A]GTACGCGGCCAGGGTGGCTGCCTGGGCACAGGGTTTCAGCGAGCTCCGGGACACTCGGCA-3'
Protein context (NP_006352.2, residues 100-120): CAQAATLAAY[Pro110Ser]AETPTAGEEY

ClinVar aggregate classification (germline): Conflicting classifications of pathogenicity. Review status: criteria provided, conflicting classifications (1 of 4 stars). 2 submissions from 2 submitters: Uncertain significance (1); Likely benign (1). Last evaluated 2025-01-20.

Conditions:
Hereditary cancer-predisposing syndrome. Also called: Neoplastic Syndromes, Hereditary; Tumor predisposition; Hereditary neoplastic syndrome; Hereditary Cancer Syndrome. Identifiers: Orphanet 140162, MedGen C0027672, MeSH D009386, MONDO:0015356.

Submissions (2):

Ambry Genetics
Classification: Likely benign for Hereditary cancer-predisposing syndrome. Last evaluated: 2025-01-20. Review status: criteria provided, single submitter. Criteria: Ambry Variant Classification Scheme 2023. Collection method: clinical testing. Allele origin: germline.

Labcorp Genetics (formerly Invitae), Labcorp
Classification: Uncertain significance. Last evaluated: 2023-02-05. Review status: criteria provided, single submitter. Criteria: Invitae Variant Classification Sherloc (09022015). Collection method: clinical testing. Allele origin: germline.
Comment: This sequence change replaces proline, which is neutral and non-polar, with serine, which is neutral and polar, at codon 110 of the HOXB13 protein (p.Pro110Ser). This variant is not present in population databases (gnomAD no frequency). This variant has not been reported in the literature in individuals affected with HOXB13-related conditions. ClinVar contains an entry for this variant (Variation ID: 1374019). Advanced modeling of protein sequence and biophysical properties (such as structural, functional, and spatial information, amino acid conservation, physicochemical variation, residue mobility, and thermodynamic stability) performed at Invitae indicates that this missense variant is not expected to disrupt HOXB13 protein function. In summary, the available evidence is currently insufficient to determine the role of this variant in disease. Therefore, it has been classified as a Variant of Uncertain Significance.